The following is an entry in ClinVar:

NM_032578.4(MYPN):c.132C>A (p.Phe44Leu)

Gene: MYPN (myopalladin; plus strand). Cytogenetic location: 10q21.3.
Variant type: single nucleotide variant.
Coding change: c.132C>A on transcript NM_032578.4 (MANE Select); coding-DNA position 132, C replaced by A.
Protein change: p.Phe44Leu; replaces phenylalanine 44 with leucine.
Molecular consequence: missense variant. On other transcripts: 5 prime UTR variant (1), non-coding transcript variant (1).
Genome position (GRCh38, 1-based): chr10:68,121,570, C>A. VCF-style: chr10-68121570-C-A. GRCh37 (hg19) VCF-style: chr10-69881327-C-A.
Other names: c.132C>A, p.Phe44Leu (NM_001256267.2); c.-991C>A (NM_001256268.2); short protein forms F44L.
Identifiers: ClinVar variation 1482083 (VCV001482083.6), dbSNP rs2133993682, ClinGen allele CA377103672.

ClinVar aggregate classification (germline): Uncertain significance (1 of 4 stars; one submission).

Conditions:
Dilated cardiomyopathy 1KK (CMD1KK). Identifiers: Orphanet 154, Orphanet 75249, MedGen C3714995, MONDO:0014100, OMIM 615248.

Submission:

Labcorp Genetics (formerly Invitae), Labcorp
Classification: Uncertain significance for Dilated cardiomyopathy 1KK. Last evaluated: 2022-02-01. Review status: criteria provided, single submitter. Criteria: Invitae Variant Classification Sherloc (09022015). Collection method: clinical testing. Allele origin: germline.
Comment: This variant is not present in population databases (gnomAD no frequency). This sequence change replaces phenylalanine, which is neutral and non-polar, with leucine, which is neutral and non-polar, at codon 44 of the MYPN protein (p.Phe44Leu). This variant has not been reported in the literature in individuals affected with MYPN-related conditions. In summary, the available evidence is currently insufficient to determine the role of this variant in disease. Therefore, it has been classified as a Variant of Uncertain Significance. Algorithms developed to predict the effect of sequence changes on RNA splicing suggest that this variant may create or strengthen a splice site. Algorithms developed to predict the effect of missense changes on protein structure and function (SIFT, PolyPhen-2, Align-GVGD) all suggest that this variant is likely to be tolerated.